The following is an entry in ClinVar:

ClinVar aggregate classification (germline): Benign/Likely benign. Review status: criteria provided, multiple submitters, no conflicts (2 of 4 stars). 13 submissions from 10 submitters: Benign (5); Likely benign (5). 3 of the submissions do not count toward it. Last evaluated 2025-09-07.

Conditions:
Autosomal recessive limb-girdle muscular dystrophy type 2J (LGMDR10). Also called: Limb-girdle muscular dystrophy, type 2J; MUSCULAR DYSTROPHY, LIMB-GIRDLE, AUTOSOMAL RECESSIVE 10. Identifiers: Orphanet 140922, MedGen C1837342, MONDO:0012127, OMIM 608807.
Dilated cardiomyopathy 1G (CMD1G). Identifiers: Orphanet 154, MedGen C1858763, MONDO:0011400, OMIM 604145.
Myopathy, myofibrillar, 9, with early respiratory failure (MFM9). Also called: Myopathy, distal, with early respiratory failure, autosomal dominant; Hereditary myopathy with early respiratory failure; MYOPATHY, PROXIMAL, WITH EARLY RESPIRATORY MUSCLE INVOLVEMENT; EDSTROM MYOPATHY. Identifiers: Orphanet 178464, Orphanet 34521, MedGen C1863599, MONDO:0011362, OMIM 603689.
Tibial muscular dystrophy (TMD). Also called: Tibial muscular dystrophy, tardive; Udd Distal Myopathy – Tibial Muscular Dystrophy; UDD MYOPATHY. Identifiers: Orphanet 609, MedGen C1838244, MONDO:0010870, OMIM 600334.
Cardiovascular phenotype. Identifiers: MedGen CN230736.
Early-onset myopathy with fatal cardiomyopathy (CMYO5). Also called: CONGENITAL MYOPATHY 5 WITH CARDIOMYOPATHY; Salih Myopathy. Identifiers: Orphanet 289377, MedGen C2673677, MONDO:0012714, OMIM 611705. Disease mechanism: loss of function.
Hypertrophic cardiomyopathy 9. Also called: Familial hypertrophic cardiomyopathy 9. Identifiers: MedGen C1861065, MONDO:0013412, OMIM 613765.

Allele frequency attached by ClinVar (database versions not stated): gnomAD 0.00001 and 0.00005; TOPMed 0.00003; gnomAD exomes 0.00010 and 0.00019; 1000 Genomes Project 30x 0.00016; ExAC 0.00019; 1000 Genomes Project 0.00020.
gnomAD v4.1: 160 of 1,613,914 alleles (0.0099%); highest among the groups gnomAD compares: South Asian, 0.12%; no homozygotes.

Submissions (13):

Labcorp Genetics (formerly Invitae), Labcorp
Classification: Benign for Dilated cardiomyopathy 1G; Autosomal recessive limb-girdle muscular dystrophy type 2J. Last evaluated: 2025-09-07. Review status: criteria provided, single submitter. Criteria: Invitae Variant Classification Sherloc (09022015). Collection method: clinical testing. Allele origin: germline.

CeGaT Center for Human Genetics Tuebingen
Classification: Likely benign. Last evaluated: 2025-05-01. Review status: criteria provided, single submitter. Criteria: CeGaT Center For Human Genetics Tuebingen Variant Classification Criteria Version 2. Collection method: clinical testing. Allele origin: germline. Affected: yes. Observed: 3 variant alleles.
Comment: TTN: BP4

Blueprint Genetics
Classification: Likely benign. Last evaluated: 2024-11-13. Review status: criteria provided, single submitter. Criteria: ACMG Guidelines, 2015. Collection method: clinical testing. Allele origin: germline.

Genome-Nilou Lab
Classification: Benign for Autosomal recessive limb-girdle muscular dystrophy type 2J. Last evaluated: 2021-09-10. Review status: criteria provided, single submitter. Criteria: ACMG Guidelines, 2015. Collection method: clinical testing. Allele origin: germline. Affected: no.

Genome-Nilou Lab
Classification: Benign for Myopathy, myofibrillar, 9, with early respiratory failure. Last evaluated: 2021-09-10. Review status: criteria provided, single submitter. Criteria: ACMG Guidelines, 2015. Collection method: clinical testing. Allele origin: germline. Affected: no.

Genome-Nilou Lab
Classification: Benign for Early-onset myopathy with fatal cardiomyopathy. Last evaluated: 2021-09-10. Review status: criteria provided, single submitter. Criteria: ACMG Guidelines, 2015. Collection method: clinical testing. Allele origin: germline. Affected: no.

Genome-Nilou Lab
Classification: Benign for Tibial muscular dystrophy. Last evaluated: 2021-09-10. Review status: criteria provided, single submitter. Criteria: ACMG Guidelines, 2015. Collection method: clinical testing. Allele origin: germline. Affected: no.

Fulgent Genetics
Classification: Likely benign for Tibial muscular dystrophy; Myopathy, myofibrillar, 9, with early respiratory failure; Dilated cardiomyopathy 1G; Autosomal recessive limb-girdle muscular dystrophy type 2J; Early-onset myopathy with fatal cardiomyopathy; Hypertrophic cardiomyopathy 9. Last evaluated: 2021-08-20. Review status: criteria provided, single submitter. Criteria: ACMG Guidelines, 2015. Collection method: clinical testing. Allele origin: unknown.

GeneDx
Classification: Likely benign. Last evaluated: 2020-11-02. Review status: criteria provided, single submitter. Criteria: GeneDx Variant Classification Process June 2021. Collection method: clinical testing. Allele origin: germline. Affected: yes.

Ambry Genetics
Classification: Likely benign for Cardiovascular phenotype. Last evaluated: 2019-10-29. Review status: criteria provided, single submitter. Criteria: Ambry Variant Classification Scheme 2023. Collection method: clinical testing. Allele origin: germline.

Clinical Genetics DNA and cytogenetics Diagnostics Lab, Erasmus MC, Erasmus Medical Center
Classification: Likely benign. Review status: no assertion criteria provided. Collection method: clinical testing. Allele origin: germline. Affected: yes. Study: VKGL Data-share Consensus. Not counted in ClinVar's aggregate classification.

Clinical Genetics, Academic Medical Center
Classification: Benign. Review status: no assertion criteria provided. Collection method: clinical testing. Allele origin: germline. Affected: yes. Study: VKGL Data-share Consensus. Not counted in ClinVar's aggregate classification.

Laboratory of Diagnostic Genome Analysis, Leiden University Medical Center (LUMC)
Classification: Likely benign. Review status: no assertion criteria provided. Collection method: clinical testing. Allele origin: germline. Affected: yes. Study: VKGL Data-share Consensus. Not counted in ClinVar's aggregate classification.

NM_001267550.2(TTN):c.93868C>T (p.Leu31290=)

Genes: TTN (titin; minus strand), TTN-AS1 (TTN antisense RNA 1; plus strand). Cytogenetic location: 2q31.2.
Variant type: single nucleotide variant.
Coding change: c.93868C>T on transcript NM_001267550.2 (MANE Select); coding-DNA position 93868, C replaced by T.
Protein change: p.Leu31290=; no amino-acid change (leucine 31290 retained).
Molecular consequence: synonymous variant.
Genome position (GRCh38, 1-based): chr2:178,547,758, G>A on the plus strand (C>T on the coding strand, the complement: TTN is on the minus strand). VCF-style: chr2-178547758-G-A. GRCh37 (hg19) VCF-style: chr2-179412485-G-A.
Other names: c.88945C>T, p.Leu29649= (NM_001256850.1); c.66673C>T, p.Leu22225= (NM_003319.4); c.86164C>T, p.Leu28722= (NM_133378.4); c.67048C>T, p.Leu22350= (NM_133432.3); c.67249C>T, p.Leu22417= (NM_133437.4).
Identifiers: ClinVar variation 388387 (VCV000388387.46), dbSNP rs557737090, ClinGen allele CA1987235.